The following is an entry in ClinVar:

ClinVar aggregate classification (germline): Uncertain significance (1 of 4 stars; one submission).

Conditions:
Autosomal dominant limb-girdle muscular dystrophy type 1D (DNAJB6) (LGMDD1). Also called: Autosomal dominant limb-girdle muscular dystrophy type 1D; MUSCULAR DYSTROPHY, LIMB-GIRDLE, TYPE 1D; Muscular dystrophy, limb-girdle, autosomal dominant 1; MUSCULAR DYSTROPHY, AUTOSOMAL DOMINANT, WITH RIMMED VACUOLES. Identifiers: Orphanet 34516, MedGen C4721885, MONDO:0021018, OMIM 603511.

Allele frequency attached by ClinVar (database versions not stated): gnomAD exomes below 0.00001; ExAC 0.00001; gnomAD 0.00001; TOPMed 0.00001.
gnomAD v4.1: 3 of 1,610,506 alleles (0.00019%); highest among the groups gnomAD compares: African/African-American, 0.0027%; no homozygotes.

Submission:

Labcorp Genetics (formerly Invitae), Labcorp
Classification: Uncertain significance for Autosomal dominant limb-girdle muscular dystrophy type 1D (DNAJB6). Last evaluated: 2025-02-19. Review status: criteria provided, single submitter. Criteria: Invitae Variant Classification Sherloc (09022015). Collection method: clinical testing. Allele origin: germline.
Comment: This sequence change replaces phenylalanine, which is neutral and non-polar, with serine, which is neutral and polar, at codon 83 of the DNAJB6 protein (p.Phe83Ser). This variant is not present in population databases (gnomAD no frequency). This variant has not been reported in the literature in individuals affected with DNAJB6-related conditions. ClinVar contains an entry for this variant (Variation ID: 643265). Invitae Evidence Modeling of protein sequence and biophysical properties (such as structural, functional, and spatial information, amino acid conservation, physicochemical variation, residue mobility, and thermodynamic stability) indicates that this missense variant is not expected to disrupt DNAJB6 protein function with a negative predictive value of 80%. In summary, the available evidence is currently insufficient to determine the role of this variant in disease. Therefore, it has been classified as a Variant of Uncertain Significance.

NM_058246.4(DNAJB6):c.248T>C (p.Phe83Ser)

Gene: DNAJB6 (DnaJ heat shock protein family (Hsp40) member B6; plus strand). Cytogenetic location: 7q36.3.
Variant type: single nucleotide variant.
Coding change: c.248T>C on transcript NM_058246.4 (MANE Select); coding-DNA position 248, T replaced by C.
Protein change: p.Phe83Ser; replaces phenylalanine 83 with serine.
Molecular consequence: missense variant.
Genome position (GRCh38, 1-based): chr7:157,367,385, T>C. VCF-style: chr7-157367385-T-C. GRCh37 (hg19) VCF-style: chr7-157160079-T-C.
Other names: c.248T>C, p.Phe83Ser (NM_001363676.1, NM_005494.3); short protein forms F83S.
Identifiers: ClinVar variation 643265 (VCV000643265.9), dbSNP rs760970652, ClinGen allele CA4590446.